The following is an entry in ClinVar:

ClinVar aggregate classification (germline): Uncertain significance (1 of 4 stars; one submission).

Submission:

Labcorp Genetics (formerly Invitae), Labcorp
Classification: Uncertain significance. Last evaluated: 2023-09-08. Review status: criteria provided, single submitter. Criteria: Invitae Variant Classification Sherloc (09022015). Collection method: clinical testing. Allele origin: germline.
Comment: This sequence change replaces isoleucine, which is neutral and non-polar, with asparagine, which is neutral and polar, at codon 373 of the EFTUD2 protein (p.Ile373Asn). This variant is not present in population databases (gnomAD no frequency). This variant has not been reported in the literature in individuals affected with EFTUD2-related conditions. Advanced modeling of protein sequence and biophysical properties (such as structural, functional, and spatial information, amino acid conservation, physicochemical variation, residue mobility, and thermodynamic stability) performed at Invitae indicates that this missense variant is expected to disrupt EFTUD2 protein function. In summary, the available evidence is currently insufficient to determine the role of this variant in disease. Therefore, it has been classified as a Variant of Uncertain Significance.

NM_004247.4(EFTUD2):c.1118T>A (p.Ile373Asn)

Gene: EFTUD2 (elongation factor Tu GTP binding domain containing 2; minus strand). Cytogenetic location: 17q21.31.
Variant type: single nucleotide variant.
Coding change: c.1118T>A on transcript NM_004247.4 (MANE Select); coding-DNA position 1118, T replaced by A.
Protein change: p.Ile373Asn; replaces isoleucine 373 with asparagine.
Molecular consequence: missense variant.
Genome position (GRCh38, 1-based): chr17:44,867,838, A>T on the plus strand (T>A on the coding strand, the complement: EFTUD2 is on the minus strand). VCF-style: chr17-44867838-A-T. GRCh37 (hg19) VCF-style: chr17-42945206-A-T.
Other names: c.1013T>A, p.Ile338Asn (NM_001142605.2); c.1118T>A, p.Ile373Asn (NM_001258353.2); c.1088T>A, p.Ile363Asn (NM_001258354.2); short protein forms I338N, I363N, I373N.
Identifiers: ClinVar variation 2758831 (VCV002758831.3), dbSNP rs2508780486, ClinGen allele CA399815943.